The following is an entry in ClinVar:

ClinVar aggregate classification (germline): Uncertain significance (1 of 4 stars; one submission).

Allele frequency attached by ClinVar (database versions not stated): gnomAD 0.00001; gnomAD exomes below 0.00001.
gnomAD v4.1: 2 of 1,613,554 alleles (0.00012%); highest among the groups gnomAD compares: African/African-American, 0.0027%; no homozygotes.

Submission:

Labcorp Genetics (formerly Invitae), Labcorp
Classification: Uncertain significance. Last evaluated: 2025-12-14. Review status: criteria provided, single submitter. Criteria: Invitae Variant Classification Sherloc (09022015). Collection method: clinical testing. Allele origin: germline.
Comment: This sequence change replaces isoleucine, which is neutral and non-polar, with threonine, which is neutral and polar, at codon 49 of the BEST1 protein (p.Ile49Thr). The frequency data for this variant in the population databases is considered unreliable, as metrics indicate poor data quality at this position in the gnomAD database. This variant has not been reported in the literature in individuals affected with BEST1-related conditions. ClinVar contains an entry for this variant (Variation ID: 2794778). Invitae Evidence Modeling of protein sequence and biophysical properties (such as structural, functional, and spatial information, amino acid conservation, physicochemical variation, residue mobility, and thermodynamic stability) has been performed for this missense variant. However, the output from this modeling did not meet the statistical confidence thresholds required to predict the impact of this variant on BEST1 protein function. In summary, the available evidence is currently insufficient to determine the role of this variant in disease. Therefore, it has been classified as a Variant of Uncertain Significance.

NM_004183.4(BEST1):c.146T>C (p.Ile49Thr)

Gene: BEST1 (bestrophin 1; plus strand). Cytogenetic location: 11q12.3.
Variant type: single nucleotide variant.
Coding change: c.146T>C on transcript NM_004183.4 (MANE Select); coding-DNA position 146, T replaced by C.
Protein change: p.Ile49Thr; replaces isoleucine 49 with threonine.
Molecular consequence: missense variant. On other transcripts: non-coding transcript variant (1), intron variant (6).
Genome position (GRCh38, 1-based): chr11:61,951,952, T>C. VCF-style: chr11-61951952-T-C. GRCh37 (hg19) VCF-style: chr11-61719424-T-C.
Other names: c.146T>C, p.Ile49Thr (NM_001440573.1, NM_001363592.2, NM_001440571.1 and 1 more transcripts); c.-29+1525T>C (NM_001139443.3, NM_001300787.2, NM_001440574.1 and 3 more transcripts); short protein forms I49T.
Identifiers: ClinVar variation 2794778 (VCV002794778.3), dbSNP rs1406033170, ClinGen allele CA380832202.
Genomic context (GRCh38, chr11:61,951,952, plus strand): 5'-ACAAGCTGCTATATGGCGAGTTCTTAATCTTCCTGCTCTGCTACTACATCATCCGCTTTA[T>C]TTATAGGTAAAGCTGGCAGGGCTGGGCCGGGGGGCCTGGGAAGGATGTGGCTGGGGCTGG-3'
Protein context (NP_004174.1, residues 39-59): FLLCYYIIRF[Ile49Thr]YRLALTEEQQ